The following is an entry in ClinVar:

ClinVar aggregate classification (germline): Likely pathogenic (1 of 4 stars; one submission).

Conditions:
Dilated cardiomyopathy 1G (CMD1G). Identifiers: Orphanet 154, MedGen C1858763, MONDO:0011400, OMIM 604145.
Autosomal recessive limb-girdle muscular dystrophy type 2J (LGMDR10). Also called: Limb-girdle muscular dystrophy, type 2J; MUSCULAR DYSTROPHY, LIMB-GIRDLE, AUTOSOMAL RECESSIVE 10. Identifiers: Orphanet 140922, MedGen C1837342, MONDO:0012127, OMIM 608807.

Submission:

Labcorp Genetics (formerly Invitae), Labcorp
Classification: Likely pathogenic for Dilated cardiomyopathy 1G; Autosomal recessive limb-girdle muscular dystrophy type 2J. Last evaluated: 2024-09-08. Review status: criteria provided, single submitter. Criteria: Invitae Variant Classification Sherloc (09022015). Collection method: clinical testing. Allele origin: germline.
Comment: This sequence change creates a premature translational stop signal (p.Trp30272*) in the TTN gene. While this is not anticipated to result in nonsense mediated decay, it is expected to create a truncated TTN protein. This variant is not present in population databases (gnomAD no frequency). This variant has not been reported in the literature in individuals affected with TTN-related conditions. This variant is located in the A band of TTN (PMID: 25589632). Truncating variants in this region are significantly overrepresented in patients affected with dilated cardiomyopathy (PMID: 25589632). Truncating variants in this region have also been reported in individuals affected with autosomal recessive centronuclear myopathy (PMID: 23975875). In summary, the currently available evidence indicates that the variant is pathogenic, but additional data are needed to prove that conclusively. Therefore, this variant has been classified as Likely Pathogenic.

Literature cited by the submitters: PubMed 25589632; PubMed 23975875.

NM_001267550.2(TTN):c.90815G>A (p.Trp30272Ter)

Genes: TTN-AS1 (TTN antisense RNA 1; plus strand), TTN (titin; minus strand). Cytogenetic location: 2q31.2.
Variant type: single nucleotide variant.
Coding change: c.90815G>A on transcript NM_001267550.2 (MANE Select); coding-DNA position 90815, G replaced by A.
Protein change: p.Trp30272Ter; replaces tryptophan 30272 with a stop codon.
Molecular consequence: nonsense.
Genome position (GRCh38, 1-based): chr2:178,552,085, C>T on the plus strand (G>A on the coding strand, the complement: TTN is on the minus strand). VCF-style: chr2-178552085-C-T. GRCh37 (hg19) VCF-style: chr2-179416812-C-T.
Other names: c.85892G>A, p.Trp28631Ter (NM_001256850.1); c.63620G>A, p.Trp21207Ter (NM_003319.4); c.83111G>A, p.Trp27704Ter (NM_133378.4); c.63995G>A, p.Trp21332Ter (NM_133432.3); c.64196G>A, p.Trp21399Ter (NM_133437.4); short protein forms W21207*, W21332*, W21399*, W27704*, W28631*, W30272*.
Identifiers: ClinVar variation 3758259 (VCV003758259.2).